The following is an entry in ClinVar:

NM_000038.6(APC):c.2221A>C (p.Asn741His)

Gene: APC (APC regulator of Wnt signaling pathway; plus strand). Cytogenetic location: 5q22.2.
Variant type: single nucleotide variant.
Coding change: c.2221A>C on transcript NM_000038.6 (MANE Select); coding-DNA position 2221, A replaced by C.
Protein change: p.Asn741His; replaces asparagine 741 with histidine.
Molecular consequence: missense variant.
Genome position (GRCh38, 1-based): chr5:112,837,815, A>C. VCF-style: chr5-112837815-A-C. GRCh37 (hg19) VCF-style: chr5-112173512-A-C.
Other names: c.2221A>C, p.Asn741His (NM_001127510.3, NM_001354895.2); c.2167A>C, p.Asn723His (NM_001127511.3); c.2275A>C, p.Asn759His (NM_001354896.2); c.2251A>C, p.Asn751His (NM_001354897.2); c.2146A>C, p.Asn716His (NM_001354898.2); c.2137A>C, p.Asn713His (NM_001354899.2); c.2098A>C, p.Asn700His (NM_001354900.2); c.2044A>C, p.Asn682His (NM_001354901.2); and 5 more; short protein forms N741H, N723H, N581H, N615H, N640H, N682H, N713H, N700H.
Identifiers: ClinVar variation 482488 (VCV000482488.8), dbSNP rs1554084021, ClinGen allele CA16026198.

ClinVar aggregate classification (germline): Uncertain significance. Review status: criteria provided, multiple submitters, no conflicts (2 of 4 stars). 2 submissions from 2 submitters: Uncertain significance (2). Last evaluated 2024-10-02.

Conditions:
Hereditary cancer-predisposing syndrome. Also called: Neoplastic Syndromes, Hereditary; Tumor predisposition; Hereditary Cancer Syndrome; Hereditary neoplastic syndrome. Identifiers: Orphanet 140162, MedGen C0027672, MeSH D009386, MONDO:0015356.
Familial adenomatous polyposis 1 (FAP1). Also called: FAMILIAL ADENOMATOUS POLYPOSIS 1, ATTENUATED; POLYPOSIS, ADENOMATOUS INTESTINAL. Identifiers: MedGen C2713442, MONDO:0021056, OMIM 175100. Disease mechanism: loss of function.

Allele frequency attached by ClinVar (database versions not stated): gnomAD exomes below 0.00001.
gnomAD v4.1: 1 of 1,614,070 alleles (0.000062%); highest among the groups gnomAD compares: Non-Finnish European, 0.000085%; no homozygotes.

Submissions (2):

Labcorp Genetics (formerly Invitae), Labcorp
Classification: Uncertain significance for Familial adenomatous polyposis 1. Last evaluated: 2024-10-02. Review status: criteria provided, single submitter. Criteria: Invitae Variant Classification Sherloc (09022015). Collection method: clinical testing. Allele origin: germline.
Comment: This sequence change replaces asparagine, which is neutral and polar, with histidine, which is basic and polar, at codon 741 of the APC protein (p.Asn741His). This variant is not present in population databases (gnomAD no frequency). This variant has not been reported in the literature in individuals affected with APC-related conditions. ClinVar contains an entry for this variant (Variation ID: 482488). Invitae Evidence Modeling of protein sequence and biophysical properties (such as structural, functional, and spatial information, amino acid conservation, physicochemical variation, residue mobility, and thermodynamic stability) indicates that this missense variant is not expected to disrupt APC protein function with a negative predictive value of 95%. In summary, the available evidence is currently insufficient to determine the role of this variant in disease. Therefore, it has been classified as a Variant of Uncertain Significance.

Ambry Genetics
Classification: Uncertain significance for Hereditary cancer-predisposing syndrome. Last evaluated: 2017-06-15. Review status: criteria provided, single submitter. Criteria: Ambry Variant Classification Scheme 2023. Collection method: clinical testing. Allele origin: germline.
Comment: The p.N741H variant (also known as c.2221A>C), located in coding exon 15 of the APC gene, results from an A to C substitution at nucleotide position 2221. The asparagine at codon 741 is replaced by histidine, an amino acid with similar properties. This amino acid position is well conserved in available vertebrate species. In addition, in silico predictors for this gene do not accurately predict pathogenicity. Since supporting evidence is limited at this time, the clinical significance of this alteration remains unclear.